The following is an entry in ClinVar:

NM_001378454.1(ALMS1):c.7271G>T (p.Gly2424Val)

Gene: ALMS1 (ALMS1 centrosome and basal body associated protein; plus strand). Cytogenetic location: 2p13.1.
Variant type: single nucleotide variant.
Coding change: c.7271G>T on transcript NM_001378454.1 (MANE Select); coding-DNA position 7271, G replaced by T.
Protein change: p.Gly2424Val; replaces glycine 2424 with valine.
Molecular consequence: missense variant.
Genome position (GRCh38, 1-based): chr2:73,453,798, G>T. VCF-style: chr2-73453798-G-T. GRCh37 (hg19) VCF-style: chr2-73680925-G-T.
Other names: c.7274G>T, p.Gly2425Val (NM_015120.4); short protein forms G2424V, G2425V.
Identifiers: ClinVar variation 3046795 (VCV003046795.1), dbSNP rs1672001573, ClinGen allele CA347291987.

ClinVar aggregate classification (germline): Uncertain significance (1 of 4 stars; one submission).

Conditions:
ALMS1-related disorder. Also called: ALMS1-related condition.

Submission:

PreventionGenetics, part of Exact Sciences
Classification: Uncertain significance for ALMS1-related condition. Last evaluated: 2023-12-27. Review status: criteria provided, single submitter. Criteria: ACMG Guidelines, 2015. Collection method: clinical testing. Allele origin: germline.
Comment: The ALMS1 c.7274G>T variant is predicted to result in the amino acid substitution p.Cys2425Phe. To our knowledge, this variant has not been reported in the literature. This variant is reported in 0.10% of alleles in individuals of South Asian descent in gnomAD, which may be too frequent for an unreported disease-causing variant. Although we suspect that this variant may be benign, at this time, the clinical significance of this variant is uncertain due to the absence of conclusive functional and genetic evidence.